The following is an entry in ClinVar:

NM_024408.4(NOTCH2):c.4712C>A (p.Thr1571Asn)

Gene: NOTCH2 (notch receptor 2; minus strand). Cytogenetic location: 1p12.
Variant type: single nucleotide variant.
Coding change: c.4712C>A on transcript NM_024408.4 (MANE Select); coding-DNA position 4712, C replaced by A.
Protein change: p.Thr1571Asn; replaces threonine 1571 with asparagine.
Molecular consequence: missense variant.
Genome position (GRCh38, 1-based): chr1:119,923,784, G>T on the plus strand (C>A on the coding strand, the complement: NOTCH2 is on the minus strand). VCF-style: chr1-119923784-G-T. GRCh37 (hg19) VCF-style: chr1-120466407-G-T.
Other names: short protein forms T1571N.
Identifiers: ClinVar variation 2701627 (VCV002701627.3), dbSNP rs2101158957, ClinGen allele CA341888827.

ClinVar aggregate classification (germline): Uncertain significance (1 of 4 stars; one submission).

Conditions:
Hajdu-Cheney syndrome (HJCYS). Also called: SERPENTINE FIBULA-POLYCYSTIC KIDNEY SYNDROME; Acroosteolysis dominant type; ACROOSTEOLYSIS WITH OSTEOPOROSIS AND CHANGES IN SKULL AND MANDIBLE. Identifiers: Orphanet 955, MedGen C0917715, MONDO:0007057, OMIM 102500.

gnomAD v4.1: 4 of 1,614,168 alleles (0.00025%); highest among the groups gnomAD compares: Non-Finnish European, 0.00025%; no homozygotes.

Submission:

Labcorp Genetics (formerly Invitae), Labcorp
Classification: Uncertain significance for Hajdu-Cheney syndrome. Last evaluated: 2023-12-09. Review status: criteria provided, single submitter. Criteria: Invitae Variant Classification Sherloc (09022015). Collection method: clinical testing. Allele origin: germline.
Comment: This sequence change replaces threonine, which is neutral and polar, with asparagine, which is neutral and polar, at codon 1571 of the NOTCH2 protein (p.Thr1571Asn). This variant is not present in population databases (gnomAD no frequency). This variant has not been reported in the literature in individuals affected with NOTCH2-related conditions. Advanced modeling of protein sequence and biophysical properties (such as structural, functional, and spatial information, amino acid conservation, physicochemical variation, residue mobility, and thermodynamic stability) performed at Invitae indicates that this missense variant is not expected to disrupt NOTCH2 protein function with a negative predictive value of 80%. In summary, the available evidence is currently insufficient to determine the role of this variant in disease. Therefore, it has been classified as a Variant of Uncertain Significance.